The following is an entry in ClinVar:

NM_004048.4(B2M):c.306G>A (p.Val102=)

Gene: B2M (beta-2-microglobulin; plus strand). Cytogenetic location: 15q21.1.
Variant type: single nucleotide variant.
Coding change: c.306G>A on transcript NM_004048.4 (MANE Select); coding-DNA position 306, G replaced by A.
Protein change: p.Val102=; no amino-acid change (valine 102 retained).
Molecular consequence: synonymous variant.
Genome position (GRCh38, 1-based): chr15:44,715,661, G>A. VCF-style: chr15-44715661-G-A. GRCh37 (hg19) VCF-style: chr15-45007859-G-A.
Other names: c.306G>A (NM_004048.2).
Identifiers: ClinVar variation 1987439 (VCV001987439.5), dbSNP rs1041811739, ClinGen allele CA270117096.

ClinVar aggregate classification (germline): Likely benign. Review status: criteria provided, single submitter (1 of 4 stars). 2 submissions from 2 submitters: Likely benign (1). 1 of the submissions does not count toward it. Last evaluated 2022-10-04.

Conditions:
Hypoproteinemia, hypercatabolic (IMD43). Also called: IMMUNODEFICIENCY 43; BETA-2-MICROGLOBULIN DEFICIENCY; B2M DEFICIENCY; MHC CLASS I DEFICIENCY 4. Identifiers: MedGen C1855796, MONDO:0009434, OMIM 241600.
B2M-related condition.

Allele frequency attached by ClinVar (database versions not stated): gnomAD 0.00001; gnomAD exomes 0.00001; TOPMed 0.00001.
gnomAD v4.1: 11 of 1,614,076 alleles (0.00068%); highest among the groups gnomAD compares: Non-Finnish European, 0.00093%; no homozygotes.

Submissions (2):

Labcorp Genetics (formerly Invitae), Labcorp
Classification: Likely benign for Hypoproteinemia, hypercatabolic. Last evaluated: 2022-10-04. Review status: criteria provided, single submitter. Criteria: Invitae Variant Classification Sherloc (09022015). Collection method: clinical testing. Allele origin: germline.

PreventionGenetics, part of Exact Sciences
Classification: Likely benign for B2M-related condition. Last evaluated: 2019-07-10. Review status: no assertion criteria provided. Collection method: clinical testing. Allele origin: germline. Not counted in ClinVar's aggregate classification.
Comment: This variant is classified as likely benign based on ACMG/AMP sequence variant interpretation guidelines (Richards et al. 2015 PMID: 25741868, with internal and published modifications).